The following is an entry in ClinVar:

ClinVar aggregate classification (germline): Conflicting classifications of pathogenicity. Review status: criteria provided, conflicting classifications (1 of 4 stars). 2 submissions from 2 submitters: Uncertain significance (1); Likely benign (1). Last evaluated 2026-07-09.

Conditions:
Tuberous sclerosis 1 (TSC1). Identifiers: Orphanet 805, MedGen C1854465, MONDO:0008612, OMIM 191100.
Hereditary cancer-predisposing syndrome. Also called: Hereditary Cancer Syndrome; Hereditary neoplastic syndrome; Neoplastic Syndromes, Hereditary; Tumor predisposition. Identifiers: Orphanet 140162, MedGen C0027672, MeSH D009386, MONDO:0015356.

Submissions (2):

Ambry Genetics
Classification: Likely benign for Hereditary cancer-predisposing syndrome. Last evaluated: 2026-07-09. Review status: criteria provided, single submitter. Criteria: Ambry Variant Classification Scheme 2023. Collection method: clinical testing. Allele origin: germline.

Labcorp Genetics (formerly Invitae), Labcorp
Classification: Uncertain significance for Tuberous sclerosis 1. Last evaluated: 2024-04-18. Review status: criteria provided, single submitter. Criteria: Invitae Variant Classification Sherloc (09022015). Collection method: clinical testing. Allele origin: germline.
Comment: This sequence change replaces isoleucine, which is neutral and non-polar, with threonine, which is neutral and polar, at codon 812 of the TSC1 protein (p.Ile812Thr). This variant is not present in population databases (gnomAD no frequency). This variant has not been reported in the literature in individuals affected with TSC1-related conditions. Advanced modeling of protein sequence and biophysical properties (such as structural, functional, and spatial information, amino acid conservation, physicochemical variation, residue mobility, and thermodynamic stability) performed at Invitae indicates that this missense variant is not expected to disrupt TSC1 protein function with a negative predictive value of 95%. In summary, the available evidence is currently insufficient to determine the role of this variant in disease. Therefore, it has been classified as a Variant of Uncertain Significance.

NM_000368.5(TSC1):c.2435T>C (p.Ile812Thr)

Gene: TSC1 (TSC complex subunit 1; minus strand). Cytogenetic location: 9q34.13.
Variant type: single nucleotide variant.
Coding change: c.2435T>C on transcript NM_000368.5 (MANE Select); coding-DNA position 2435, T replaced by C.
Protein change: p.Ile812Thr; replaces isoleucine 812 with threonine.
Molecular consequence: missense variant. On other transcripts: non-coding transcript variant (5).
Genome position (GRCh38, 1-based): chr9:132,901,656, A>G on the plus strand (T>C on the coding strand, the complement: TSC1 is on the minus strand). VCF-style: chr9-132901656-A-G. GRCh37 (hg19) VCF-style: chr9-135777043-A-G.
Other names: c.2435T>C, p.Ile812Thr (NM_001406605.1, NM_001406606.1, NM_001406607.1 and 5 more transcripts); c.2432T>C, p.Ile811Thr (NM_001406608.1, NM_001406609.1, NM_001162426.2 and 4 more transcripts); c.2282T>C, p.Ile761Thr (NM_001406610.1, NM_001162427.2); c.2279T>C, p.Ile760Thr (NM_001406611.1, NM_001406612.1, NM_001406613.1); c.2072T>C, p.Ile691Thr (NM_001406614.1, NM_001406624.1, NM_001362177.2 and 5 more transcripts); c.2069T>C, p.Ile690Thr (NM_001406625.1, NM_001406620.1, NM_001406621.1 and 2 more transcripts); c.1484T>C, p.Ile495Thr (NM_001406626.1); c.1481T>C, p.Ile494Thr (NM_001406627.1, NM_001406628.1); and 3 more; short protein forms I461T, I690T, I807T, I760T, I761T, I806T, I494T, I812T.
Identifiers: ClinVar variation 2764827 (VCV002764827.5), dbSNP rs2131707250, ClinGen allele CA375358611.